The following is an entry in ClinVar:

NM_006922.4(SCN3A):c.173G>A (p.Gly58Glu)

Gene: SCN3A (sodium voltage-gated channel alpha subunit 3; minus strand). Cytogenetic location: 2q24.3.
Variant type: single nucleotide variant.
Coding change: c.173G>A on transcript NM_006922.4 (MANE Select); coding-DNA position 173, G replaced by A.
Protein change: p.Gly58Glu; replaces glycine 58 with glutamic acid.
Molecular consequence: missense variant.
Genome position (GRCh38, 1-based): chr2:165,176,222, C>T on the plus strand (G>A on the coding strand, the complement: SCN3A is on the minus strand). VCF-style: chr2-165176222-C-T. GRCh37 (hg19) VCF-style: chr2-166032732-C-T.
Other names: c.173G>A, p.Gly58Glu (NM_001081676.2, NM_001081677.2); short protein forms G58E.
Identifiers: ClinVar variation 1348099 (VCV001348099.6), dbSNP rs757965286, ClinGen allele CA349240899.

ClinVar aggregate classification (germline): Uncertain significance (1 of 4 stars; one submission).

Submission:

Labcorp Genetics (formerly Invitae), Labcorp
Classification: Uncertain significance. Last evaluated: 2021-10-03. Review status: criteria provided, single submitter. Criteria: Invitae Variant Classification Sherloc (09022015). Collection method: clinical testing. Allele origin: germline.
Comment: This sequence change replaces glycine with glutamic acid at codon 58 of the SCN3A protein (p.Gly58Glu). The glycine residue is highly conserved and there is a moderate physicochemical difference between glycine and glutamic acid. This variant is not present in population databases (ExAC no frequency). This variant has not been reported in the literature in individuals affected with SCN3A-related conditions. Algorithms developed to predict the effect of missense changes on protein structure and function (SIFT, PolyPhen-2, Align-GVGD) all suggest that this variant is likely to be disruptive. In summary, the available evidence is currently insufficient to determine the role of this variant in disease. Therefore, it has been classified as a Variant of Uncertain Significance.